The following is an entry in ClinVar:

ClinVar aggregate classification (germline): Uncertain significance. Review status: criteria provided, multiple submitters, no conflicts (2 of 4 stars). 4 submissions from 4 submitters: Uncertain significance (3). 1 of the submissions does not count toward it. Last evaluated 2024-04-18.

Conditions:
Maple syrup urine disease type 1A (MSUD1A). Also called: MSUD type 1A. Identifiers: MedGen C1855369, MONDO:0023691, OMIM 248600.
Maple syrup urine disease (MSUD). Identifiers: Orphanet 511, MedGen C0024776, MeSH D008375, MONDO:0009563. Disease mechanism: loss of function.

Submissions (4):

GeneDx
Classification: Uncertain significance. Last evaluated: 2024-04-18. Review status: criteria provided, single submitter. Criteria: GeneDx Variant Classification Process June 2021. Collection method: clinical testing. Allele origin: germline. Affected: yes.
Comment: In-frame deletion of 1 amino acid in a non-repeat region; In silico analysis supports a deleterious effect on protein structure/function; Has not been previously published as pathogenic or benign to our knowledge

Genome-Nilou Lab
Classification: Uncertain significance for Maple syrup urine disease type 1A. Last evaluated: 2023-04-11. Review status: criteria provided, single submitter. Criteria: ACMG Guidelines, 2015. Collection method: clinical testing. Allele origin: germline. Affected: no.

Labcorp Genetics (formerly Invitae), Labcorp
Classification: Uncertain significance for Maple syrup urine disease. Last evaluated: 2022-07-11. Review status: criteria provided, single submitter. Criteria: Invitae Variant Classification Sherloc (09022015). Collection method: clinical testing. Allele origin: germline.
Comment: This variant, c.452_454del, results in the deletion of 1 amino acid(s) of the DBT protein (p.Val151del), but otherwise preserves the integrity of the reading frame. This variant is present in population databases (rs773087765, gnomAD 0.02%). This variant has not been reported in the literature in individuals affected with DBT-related conditions. ClinVar contains an entry for this variant (Variation ID: 550690). Experimental studies and prediction algorithms are not available or were not evaluated, and the functional significance of this variant is currently unknown. In summary, the available evidence is currently insufficient to determine the role of this variant in disease. Therefore, it has been classified as a Variant of Uncertain Significance.

Counsyl
Classification: Uncertain significance for Maple syrup urine disease type 1A. Last evaluated: 2017-02-08. Review status: no assertion criteria provided. Collection method: clinical testing. Allele origin: unknown. Not counted in ClinVar's aggregate classification.

NM_001918.5(DBT):c.449TTG[1] (p.Val151del)

Gene: DBT (dihydrolipoamide branched chain transacylase E2; minus strand). Cytogenetic location: 1p21.2.
Variant type: Microsatellite.
Coding change: c.449TTG[1] on transcript NM_001918.5 (MANE Select); one copy of the 3-base unit TTG starting at c.449; the reference has two copies in a row; one copy, 3 bases deleted; also written c.452_454del.
Protein change: p.Val151del; deletes valine 151.
Molecular consequence: inframe deletion.
Genome position (GRCh38, 1-based): chr1:100,218,727-100,218,729, CAA deleted on the plus strand (TTG on the coding strand, the reverse complement: DBT is on the minus strand); deleting any 3 consecutive bases within chr1:100,218,727-100,218,734 gives the same sequence; the position shown is the placement nearest the transcript's 3' end. VCF-style (leftmost placement, unchanged base first): chr1-100218726-TCAA-T. GRCh37 (hg19) VCF-style: chr1-100684282-TCAA-T.
Other names: c.452_454del (NM_001918.3, NM_001918.2); short protein forms V151del.
Identifiers: ClinVar variation 550690 (VCV000550690.6), dbSNP rs773087765, ClinGen allele CA969736.